The following is an entry in ClinVar:

ClinVar aggregate classification (germline): Likely benign. Review status: criteria provided, multiple submitters, no conflicts (2 of 4 stars). 4 submissions from 4 submitters: Likely benign (3). 1 of the submissions does not count toward it. Last evaluated 2026-01-14.

Conditions:
PCNT-related disorder. Also called: PCNT-related condition.

Allele frequency attached by ClinVar (database versions not stated): gnomAD 0.00017 and 0.00019; ExAC 0.00018; gnomAD exomes 0.00018; TOPMed 0.00023; ESP Exome Variant Server 0.00031.
gnomAD v4.1: 404 of 1,613,358 alleles (0.025%); highest among the groups gnomAD compares: Middle Eastern, 0.033%; 1 homozygote.

Submissions (4):

Labcorp Genetics (formerly Invitae), Labcorp
Classification: Likely benign. Last evaluated: 2026-01-14. Review status: criteria provided, single submitter. Criteria: Invitae Variant Classification Sherloc (09022015). Collection method: clinical testing. Allele origin: germline.

Blueprint Genetics
Classification: Likely benign. Last evaluated: 2024-11-21. Review status: criteria provided, single submitter. Criteria: ACMG Guidelines, 2015. Collection method: clinical testing. Allele origin: germline.

CeGaT Center for Human Genetics Tuebingen
Classification: Likely benign. Last evaluated: 2023-05-01. Review status: criteria provided, single submitter. Criteria: CeGaT Center For Human Genetics Tuebingen Variant Classification Criteria Version 2. Collection method: clinical testing. Allele origin: germline. Affected: yes. Observed: 1 variant allele.
Comment: PCNT: BP4, BP7

PreventionGenetics, part of Exact Sciences
Classification: Likely benign for PCNT-related condition. Last evaluated: 2019-02-21. Review status: no assertion criteria provided. Collection method: clinical testing. Allele origin: germline. Not counted in ClinVar's aggregate classification.
Comment: This variant is classified as likely benign based on ACMG/AMP sequence variant interpretation guidelines (Richards et al. 2015 PMID: 25741868, with internal and published modifications).

NM_006031.6(PCNT):c.2178C>T (p.Asp726=)

Gene: PCNT (pericentrin; plus strand). Cytogenetic location: 21q22.3.
Variant type: single nucleotide variant.
Coding change: c.2178C>T on transcript NM_006031.6 (MANE Select); coding-DNA position 2178, C replaced by T.
Protein change: p.Asp726=; no amino-acid change (aspartic acid 726 retained).
Molecular consequence: synonymous variant.
Genome position (GRCh38, 1-based): chr21:46,363,503, C>T. VCF-style: chr21-46363503-C-T. GRCh37 (hg19) VCF-style: chr21-47783418-C-T.
Other names: c.1824C>T, p.Asp608= (NM_001315529.2).
Identifiers: ClinVar variation 720460 (VCV000720460.35), dbSNP rs148495760, ClinGen allele CA10078920.
Genomic context (GRCh38, chr21:46,363,503, plus strand): 5'-GCGTCTTTCCTCCTAAATGAAATTATGTTGTCTGTAGGTAAAACACAATCTAATTGAAGA[C>T]CACCAGAAGGAACTAAATAATGCTAAGCAAAAGACTGAGCTGATGAAACAGGAATTCCAA-3'
Protein context (NP_006022.3, residues 716-736): LEKVKHNLIE[Asp726=]HQKELNNAKQ